The following is an entry in ClinVar:

ClinVar aggregate classification (germline): Likely benign. Review status: criteria provided, multiple submitters, no conflicts (2 of 4 stars). 2 submissions from 2 submitters: Likely benign (2). Last evaluated 2025-12-06.

Conditions:
Hereditary cancer-predisposing syndrome. Also called: Hereditary neoplastic syndrome; Neoplastic Syndromes, Hereditary; Tumor predisposition; Hereditary Cancer Syndrome. Identifiers: Orphanet 140162, MedGen C0027672, MeSH D009386, MONDO:0015356.
Neurofibromatosis, type 1 (NF1). Also called: VON RECKLINGHAUSEN DISEASE; Peripheral type neurofibromatosis; NEUROFIBROMATOSIS, TYPE I, SOMATIC; Neurofibromatosis, type I. Identifiers: Orphanet 636, MedGen C0027831, MONDO:0018975, OMIM 162200. Disease mechanism: loss of function.

Submissions (2):

Labcorp Genetics (formerly Invitae), Labcorp
Classification: Likely benign for Neurofibromatosis, type 1. Last evaluated: 2025-12-06. Review status: criteria provided, single submitter. Criteria: Invitae Variant Classification Sherloc (09022015). Collection method: clinical testing. Allele origin: germline.

Ambry Genetics
Classification: Likely benign for Hereditary cancer-predisposing syndrome. Last evaluated: 2016-03-04. Review status: criteria provided, single submitter. Criteria: Ambry Autosomal Dominant and X-Linked criteria (10/2015). Collection method: clinical testing. Allele origin: germline. Observed: 1 variant allele.
Comment: Synonymous alterations with insufficient evidence to classify as benign

NM_001042492.3(NF1):c.2760G>T (p.Leu920=)

Gene: NF1 (neurofibromin 1; plus strand). Cytogenetic location: 17q11.2.
Variant type: single nucleotide variant.
Coding change: c.2760G>T on transcript NM_001042492.3 (MANE Select); coding-DNA position 2760, G replaced by T.
Protein change: p.Leu920=; no amino-acid change (leucine 920 retained).
Molecular consequence: synonymous variant.
Genome position (GRCh38, 1-based): chr17:31,229,375, G>T. VCF-style: chr17-31229375-G-T. GRCh37 (hg19) VCF-style: chr17-29556393-G-T.
Other names: c.2760G>T, p.Leu920= (NM_000267.4).
Identifiers: ClinVar variation 484021 (VCV000484021.6), dbSNP rs1555614336, ClinGen allele CA499228738.